The following is an entry in ClinVar:

ClinVar aggregate classification (germline): Uncertain significance (1 of 4 stars; one submission).

Conditions:
Perlman syndrome (PRLMNS). Identifiers: Orphanet 2849, MedGen C0796113, MONDO:0009965, OMIM 267000.

Submission:

Labcorp Genetics (formerly Invitae), Labcorp
Classification: Uncertain significance for Perlman syndrome. Last evaluated: 2025-06-16. Review status: criteria provided, single submitter. Criteria: Invitae Variant Classification Sherloc (09022015). Collection method: clinical testing. Allele origin: germline.
Comment: This sequence change replaces cysteine, which is neutral and slightly polar, with tryptophan, which is neutral and slightly polar, at codon 625 of the DIS3L2 protein (p.Cys625Trp). This variant is not present in population databases (gnomAD no frequency). This variant has not been reported in the literature in individuals affected with DIS3L2-related conditions. ClinVar contains an entry for this variant (Variation ID: 1384417). Invitae Evidence Modeling of protein sequence and biophysical properties (such as structural, functional, and spatial information, amino acid conservation, physicochemical variation, residue mobility, and thermodynamic stability) indicates that this missense variant is expected to disrupt DIS3L2 protein function with a positive predictive value of 80%. In summary, the available evidence is currently insufficient to determine the role of this variant in disease. Therefore, it has been classified as a Variant of Uncertain Significance.

NM_152383.5(DIS3L2):c.1875C>G (p.Cys625Trp)

Gene: DIS3L2 (DIS3 like 3'-5' exoribonuclease 2; plus strand). Cytogenetic location: 2q37.1.
Variant type: single nucleotide variant.
Coding change: c.1875C>G on transcript NM_152383.5 (MANE Select); coding-DNA position 1875, C replaced by G.
Protein change: p.Cys625Trp; replaces cysteine 625 with tryptophan.
Molecular consequence: missense variant. On other transcripts: non-coding transcript variant (2), intron variant (1).
Genome position (GRCh38, 1-based): chr2:232,329,948, C>G. VCF-style: chr2-232329948-C-G. GRCh37 (hg19) VCF-style: chr2-233194658-C-G.
Other names: c.1582-13397C>G (NM_001257281.2); short protein forms C625W.
Identifiers: ClinVar variation 1384417 (VCV001384417.6), dbSNP rs1325832387, ClinGen allele CA350976207.